The following is an entry in ClinVar:

ClinVar aggregate classification (germline): Conflicting classifications of pathogenicity. Review status: criteria provided, conflicting classifications (1 of 4 stars). 4 submissions from 4 submitters: Uncertain significance (2); Likely benign (1). 1 of the submissions does not count toward it. Last evaluated 2026-01-11.

Conditions:
Inborn genetic diseases. Identifiers: MedGen C0950123, MeSH D030342.
Deficiency of alpha-mannosidase (MANSA). Also called: Alpha-Mannosidosis; Mannosidosis, alpha-, types I and II; LYSOSOMAL ALPHA-D-MANNOSIDASE DEFICIENCY. Identifiers: Orphanet 61, MedGen C0024748, MONDO:0009561, OMIM 248500.

Allele frequency attached by ClinVar (database versions not stated): TOPMed 0.00003; gnomAD exomes 0.00004 and 0.00020; ExAC 0.00014.

Submissions (4):

Labcorp Genetics (formerly Invitae), Labcorp
Classification: Likely benign for Deficiency of alpha-mannosidase. Last evaluated: 2026-01-11. Review status: criteria provided, single submitter. Criteria: Invitae Variant Classification Sherloc (09022015). Collection method: clinical testing. Allele origin: germline.

Ambry Genetics
Classification: Uncertain significance for Inborn genetic diseases. Last evaluated: 2025-10-22. Review status: criteria provided, single submitter. Criteria: Ambry Variant Classification Scheme 2023. Collection method: clinical testing. Allele origin: germline.

GeneDx
Classification: Uncertain significance. Last evaluated: 2022-08-15. Review status: criteria provided, single submitter. Criteria: GeneDx Variant Classification Process June 2021. Collection method: clinical testing. Allele origin: germline. Affected: yes.
Comment: In silico analysis supports that this missense variant does not alter protein structure/function; Has not been previously published as pathogenic or benign to our knowledge

Natera, Inc.
Classification: Uncertain significance for Alpha-mannosidosis. Last evaluated: 2020-03-28. Review status: no assertion criteria provided. Collection method: clinical testing. Allele origin: germline. Not counted in ClinVar's aggregate classification.

NM_000528.4(MAN2B1):c.34G>A (p.Ala12Thr)

Genes: MAN2B1 (mannosidase alpha class 2B member 1; minus strand), LOC130063650 (ATAC-STARR-seq lymphoblastoid silent region 10156; plus strand). Cytogenetic location: 19p13.13.
Variant type: single nucleotide variant.
Coding change: c.34G>A on transcript NM_000528.4 (MANE Select); coding-DNA position 34, G replaced by A.
Protein change: p.Ala12Thr; replaces alanine 12 with threonine.
Molecular consequence: missense variant.
Genome position (GRCh38, 1-based): chr19:12,666,668, C>T on the plus strand (G>A on the coding strand, the complement: MAN2B1 is on the minus strand). VCF-style: chr19-12666668-C-T. GRCh37 (hg19) VCF-style: chr19-12777482-C-T.
Other names: c.34G>A, p.Ala12Thr (NM_001173498.2); c.34G>A (NM_000528.3); short protein forms A12T.
Identifiers: ClinVar variation 1003559 (VCV001003559.12), dbSNP rs747538432, ClinGen allele CA9226920.